The following is an entry in ClinVar:

ClinVar aggregate classification (germline): Uncertain significance (1 of 4 stars; one submission).

Conditions:
Dyskeratosis congenita. Identifiers: Orphanet 1775, MedGen C0265965, MONDO:0015780.

Submission:

Labcorp Genetics (formerly Invitae), Labcorp
Classification: Uncertain significance for Dyskeratosis congenita. Last evaluated: 2019-01-29. Review status: criteria provided, single submitter. Criteria: Invitae Variant Classification Sherloc (09022015). Collection method: clinical testing. Allele origin: germline.
Comment: Experimental studies and prediction algorithms are not available for this variant, and the functional significance of the affected amino acid(s) is currently unknown. This variant has not been reported in the literature in individuals with CTC1-related conditions. This variant is not present in population databases (ExAC no frequency). This variant, c.1185_1186delinsAG, is a complex sequence change that results in the deletion of 2 amino acids and the insertion of 2 amino acids of the CTC1 protein (p.Met395_Arg396delinsIleGly). In summary, the available evidence is currently insufficient to determine the role of this variant in disease. Therefore, it has been classified as a Variant of Uncertain Significance.

NM_025099.6(CTC1):c.1185_1186delinsAG (p.Met395_Arg396delinsIleGly)

Gene: CTC1 (CST telomere replication complex component 1; minus strand). Cytogenetic location: 17p13.1.
Variant type: Indel.
Coding change: c.1185_1186delinsAG on transcript NM_025099.6 (MANE Select); coding-DNA positions 1185 to 1186, GC replaced by AG.
Protein change: p.Met395_Arg396delinsIleGly.
Molecular consequence: missense variant. On other transcripts: non-coding transcript variant (1).
Genome position (GRCh38, 1-based): chr17:8,235,851-8,235,852, GC replaced by CT on the plus strand (GC replaced by AG on the coding strand, the reverse complement: CTC1 is on the minus strand). VCF-style: chr17-8235851-GC-CT. GRCh37 (hg19) VCF-style: chr17-8139169-GC-CT.
Identifiers: ClinVar variation 835047 (VCV000835047.9), dbSNP rs1987666643, ClinGen allele CA916083529.